The following is an entry in ClinVar:

NM_015978.3(TNNI3K):c.188G>A (p.Arg63His)

Genes: FPGT-TNNI3K (FPGT-TNNI3K readthrough; plus strand), TNNI3K (TNNI3 interacting kinase; plus strand). Cytogenetic location: 1p31.1.
Variant type: single nucleotide variant.
Coding change: c.188G>A on transcript NM_015978.3 (MANE Select); coding-DNA position 188, G replaced by A.
Protein change: p.Arg63His; replaces arginine 63 with histidine.
Molecular consequence: missense variant.
Genome position (GRCh38, 1-based): chr1:74,249,497, G>A. VCF-style: chr1-74249497-G-A. GRCh37 (hg19) VCF-style: chr1-74715181-G-A.
Other names: c.491G>A, p.Arg164His (NM_001112808.3, NM_001199327.2); short protein forms R164H, R63H.
Identifiers: ClinVar variation 1439866 (VCV001439866.9), dbSNP rs567503494, ClinGen allele CA908799.

ClinVar aggregate classification (germline): Uncertain significance (1 of 4 stars; one submission).

Allele frequency attached by ClinVar (database versions not stated): ExAC 0.00001; gnomAD 0.00001; gnomAD exomes 0.00001; TOPMed 0.00001; 1000 Genomes Project 0.00020; 1000 Genomes Project 30x 0.00031.
gnomAD v4.1: 16 of 1,613,260 alleles (0.00099%); highest among the groups gnomAD compares: Middle Eastern, 0.017%; no homozygotes.

Submission:

Labcorp Genetics (formerly Invitae), Labcorp
Classification: Uncertain significance. Last evaluated: 2024-11-30. Review status: criteria provided, single submitter. Criteria: Invitae Variant Classification Sherloc (09022015). Collection method: clinical testing. Allele origin: germline.
Comment: This sequence change replaces arginine, which is basic and polar, with histidine, which is basic and polar, at codon 63 of the TNNI3K protein (p.Arg63His). This variant is present in population databases (rs567503494, gnomAD 0.008%). This variant has not been reported in the literature in individuals affected with TNNI3K-related conditions. ClinVar contains an entry for this variant (Variation ID: 1439866). Invitae Evidence Modeling of protein sequence and biophysical properties (such as structural, functional, and spatial information, amino acid conservation, physicochemical variation, residue mobility, and thermodynamic stability) indicates that this missense variant is not expected to disrupt TNNI3K protein function with a negative predictive value of 80%. In summary, the available evidence is currently insufficient to determine the role of this variant in disease. Therefore, it has been classified as a Variant of Uncertain Significance.